The following is an entry in ClinVar:

NM_206933.4(USH2A):c.770G>T (p.Gly257Val)

Gene: USH2A (usherin; minus strand). Cytogenetic location: 1q41.
Variant type: single nucleotide variant.
Coding change: c.770G>T on transcript NM_206933.4 (MANE Select); coding-DNA position 770, G replaced by T.
Protein change: p.Gly257Val; replaces glycine 257 with valine.
Molecular consequence: missense variant.
Genome position (GRCh38, 1-based): chr1:216,364,967, C>A on the plus strand (G>T on the coding strand, the complement: USH2A is on the minus strand). VCF-style: chr1-216364967-C-A. GRCh37 (hg19) VCF-style: chr1-216538309-C-A.
Other names: c.770G>T, p.Gly257Val (NM_007123.6); short protein forms G257V.
Identifiers: ClinVar variation 2696635 (VCV002696635.3), dbSNP rs2527531235, ClinGen allele CA344907567.

ClinVar aggregate classification (germline): Likely pathogenic (1 of 4 stars; one submission).

gnomAD v4.1: 1 of 1,613,446 alleles (0.000062%); highest among the groups gnomAD compares: African/African-American, 0.0013%; no homozygotes.

Submission:

Labcorp Genetics (formerly Invitae), Labcorp
Classification: Likely pathogenic. Last evaluated: 2023-11-17. Review status: criteria provided, single submitter. Criteria: Invitae Variant Classification Sherloc (09022015). Collection method: clinical testing. Allele origin: germline.
Comment: This sequence change replaces glycine, which is neutral and non-polar, with valine, which is neutral and non-polar, at codon 257 of the USH2A protein (p.Gly257Val). This variant is not present in population databases (gnomAD no frequency). This variant has not been reported in the literature in individuals affected with USH2A-related conditions. Advanced modeling of protein sequence and biophysical properties (such as structural, functional, and spatial information, amino acid conservation, physicochemical variation, residue mobility, and thermodynamic stability) performed at Invitae indicates that this missense variant is expected to disrupt USH2A protein function with a positive predictive value of 95%. This variant disrupts the p.Gly257 amino acid residue in USH2A. Other variant(s) that disrupt this residue have been determined to be pathogenic (PMID: 22135276, 25472526). This suggests that this residue is clinically significant, and that variants that disrupt this residue are likely to be disease-causing. In summary, the currently available evidence indicates that the variant is pathogenic, but additional data are needed to prove that conclusively. Therefore, this variant has been classified as Likely Pathogenic.

Literature cited by the submitters: PubMed 22135276; PubMed 25472526.